The following is an entry in ClinVar:

NM_002350.4(LYN):c.794A>G (p.Tyr265Cys)

Gene: LYN (LYN proto-oncogene, Src family tyrosine kinase; plus strand). Cytogenetic location: 8q12.1.
Variant type: single nucleotide variant.
Coding change: c.794A>G on transcript NM_002350.4 (MANE Select); coding-DNA position 794, A replaced by G.
Protein change: p.Tyr265Cys; replaces tyrosine 265 with cysteine.
Molecular consequence: missense variant.
Genome position (GRCh38, 1-based): chr8:55,966,718, A>G. VCF-style: chr8-55966718-A-G. GRCh37 (hg19) VCF-style: chr8-56879277-A-G.
Other names: c.731A>G, p.Tyr244Cys (NM_001111097.3); short protein forms Y265C, Y244C.
Identifiers: ClinVar variation 1913673 (VCV001913673.5), dbSNP rs1265583163, ClinGen allele CA371284783.

ClinVar aggregate classification (germline): Uncertain significance (1 of 4 stars; one submission).

gnomAD v4.1: 1 of 1,610,754 alleles (0.000062%); highest among the groups gnomAD compares: Non-Finnish European, 0.000085%; no homozygotes.

Submission:

Labcorp Genetics (formerly Invitae), Labcorp
Classification: Uncertain significance. Last evaluated: 2025-05-13. Review status: criteria provided, single submitter. Criteria: Invitae Variant Classification Sherloc (09022015). Collection method: clinical testing. Allele origin: germline.
Comment: This sequence change replaces tyrosine, which is neutral and polar, with cysteine, which is neutral and slightly polar, at codon 265 of the LYN protein (p.Tyr265Cys). This variant is not present in population databases (gnomAD no frequency). This variant has not been reported in the literature in individuals affected with LYN-related conditions. ClinVar contains an entry for this variant (Variation ID: 1913673). An algorithm developed to predict the effect of missense changes on protein structure and function (PolyPhen-2) suggests that this variant is likely to be disruptive. In summary, the available evidence is currently insufficient to determine the role of this variant in disease. Therefore, it has been classified as a Variant of Uncertain Significance.